The following is an entry in ClinVar:

NM_005632.3(CAPN15):c.2577C>T (p.Ser859=)

Gene: CAPN15 (calpain 15; plus strand). Cytogenetic location: 16p13.3.
Variant type: single nucleotide variant.
Coding change: c.2577C>T on transcript NM_005632.3 (MANE Select); coding-DNA position 2577, C replaced by T.
Protein change: p.Ser859=; no amino-acid change (serine 859 retained).
Molecular consequence: synonymous variant.
Genome position (GRCh38, 1-based): chr16:552,370, C>T. VCF-style: chr16-552370-C-T. GRCh37 (hg19) VCF-style: chr16-602370-C-T.
Identifiers: ClinVar variation 3053063 (VCV003053063.3), dbSNP rs75045595, ClinGen allele CA7778830.

ClinVar aggregate classification (germline): Likely benign. Review status: criteria provided, single submitter (1 of 4 stars). 2 submissions from 2 submitters: Likely benign (1). 1 of the submissions does not count toward it. Last evaluated 2026-09-01.

Conditions:
CAPN15-related disorder. Also called: CAPN15-related condition.

Allele frequency attached by ClinVar (database versions not stated): TOPMed 0.00012; gnomAD 0.00020; 1000 Genomes Project 0.00080; 1000 Genomes Project 30x 0.00109.
gnomAD v4.1: 551 of 1,600,542 alleles (0.034%); highest among the groups gnomAD compares: South Asian, 0.28%; 8 homozygotes.

Submissions (2):

CeGaT Center for Human Genetics Tuebingen
Classification: Likely benign. Last evaluated: 2026-09-01. Review status: criteria provided, single submitter. Criteria: CeGaT Center For Human Genetics Tuebingen Variant Classification Criteria Version 2. Collection method: clinical testing. Allele origin: germline. Affected: yes. Observed: 1 variant allele.
Comment: CAPN15: BP4, BP7

PreventionGenetics, part of Exact Sciences
Classification: Likely benign for CAPN15-related condition. Last evaluated: 2019-08-23. Review status: no assertion criteria provided. Collection method: clinical testing. Allele origin: germline. Not counted in ClinVar's aggregate classification.
Comment: This variant is classified as likely benign based on ACMG/AMP sequence variant interpretation guidelines (Richards et al. 2015 PMID: 25741868, with internal and published modifications).